The following is an entry in ClinVar:

ClinVar aggregate classification (germline): Uncertain significance (1 of 4 stars; one submission).

Conditions:
Duchenne muscular dystrophy (DMD). Also called: MUSCULAR DYSTROPHY, PSEUDOHYPERTROPHIC PROGRESSIVE, DUCHENNE TYPE; Duchenne Muscular Dystrophy (DMD). Identifiers: Orphanet 98896, MedGen C0013264, MONDO:0010679, OMIM 310200.

Submission:

Labcorp Genetics (formerly Invitae), Labcorp
Classification: Uncertain significance for Duchenne muscular dystrophy. Last evaluated: 2024-11-18. Review status: criteria provided, single submitter. Criteria: Invitae Variant Classification Sherloc (09022015). Collection method: clinical testing. Allele origin: germline.
Comment: This sequence change replaces glutamine, which is neutral and polar, with arginine, which is basic and polar, at codon 1328 of the DMD protein (p.Gln1328Arg). This variant is not present in population databases (gnomAD no frequency). This variant has not been reported in the literature in individuals affected with DMD-related conditions. ClinVar contains an entry for this variant (Variation ID: 2098144). Invitae Evidence Modeling of protein sequence and biophysical properties (such as structural, functional, and spatial information, amino acid conservation, physicochemical variation, residue mobility, and thermodynamic stability) indicates that this missense variant is not expected to disrupt DMD protein function with a negative predictive value of 95%. In summary, the available evidence is currently insufficient to determine the role of this variant in disease. Therefore, it has been classified as a Variant of Uncertain Significance.

NM_004006.3(DMD):c.3983A>G (p.Gln1328Arg)

Gene: DMD (dystrophin; minus strand). Cytogenetic location: Xp21.1.
Variant type: single nucleotide variant.
Coding change: c.3983A>G on transcript NM_004006.3 (MANE Select); coding-DNA position 3983, A replaced by G.
Protein change: p.Gln1328Arg; replaces glutamine 1328 with arginine.
Molecular consequence: missense variant.
Genome position (GRCh38, 1-based): chrX:32,438,329, T>C on the plus strand (A>G on the coding strand, the complement: DMD is on the minus strand). VCF-style: chrX-32438329-T-C. GRCh37 (hg19) VCF-style: chrX-32456446-T-C.
Other names: c.3959A>G, p.Gln1320Arg (NM_000109.4); c.3971A>G, p.Gln1324Arg (NM_004009.3); c.3614A>G, p.Gln1205Arg (NM_004010.3); short protein forms Q1324R, Q1320R, Q1328R, Q1205R.
Identifiers: ClinVar variation 2098144 (VCV002098144.4), dbSNP rs778819392, ClinGen allele CA412669390.